The following is an entry in ClinVar:

NM_020831.6(MRTFA):c.2000C>T (p.Ala667Val)

Gene: MRTFA (myocardin related transcription factor A; minus strand). Cytogenetic location: 22q13.1.
Variant type: single nucleotide variant.
Coding change: c.2000C>T on transcript NM_020831.6 (MANE Select); coding-DNA position 2000, C replaced by T.
Protein change: p.Ala667Val; replaces alanine 667 with valine.
Molecular consequence: missense variant.
Genome position (GRCh38, 1-based): chr22:40,418,738, G>A on the plus strand (C>T on the coding strand, the complement: MRTFA is on the minus strand). VCF-style: chr22-40418738-G-A. GRCh37 (hg19) VCF-style: chr22-40814742-G-A.
Other names: c.1700C>T, p.Ala567Val (NM_001282660.2); c.1850C>T, p.Ala617Val (NM_001282661.3); c.2000C>T, p.Ala667Val (NM_001282662.3); c.1805C>T, p.Ala602Val (NM_001318139.2); short protein forms A667V, A602V, A617V, A567V.
Identifiers: ClinVar variation 4713425 (VCV004713425.1).

ClinVar aggregate classification (germline): Uncertain significance (1 of 4 stars; one submission).

Submission:

Labcorp Genetics (formerly Invitae), Labcorp
Classification: Uncertain significance. Last evaluated: 2025-02-19. Review status: criteria provided, single submitter. Criteria: Invitae Variant Classification Sherloc (09022015). Collection method: clinical testing. Allele origin: germline.
Comment: This sequence change replaces alanine, which is neutral and non-polar, with valine, which is neutral and non-polar, at codon 567 of the MKL1 protein (p.Ala567Val). The frequency data for this variant in the population databases is considered unreliable, as metrics indicate poor data quality at this position in the gnomAD database. This variant has not been reported in the literature in individuals affected with MKL1-related conditions. An algorithm developed to predict the effect of missense changes on protein structure and function (PolyPhen-2) suggests that this variant is likely to be tolerated. In summary, the available evidence is currently insufficient to determine the role of this variant in disease. Therefore, it has been classified as a Variant of Uncertain Significance.